The following is an entry in ClinVar:

NM_152269.5(MTRFR):c.357C>T (p.Phe119=)

Gene: MTRFR (mitochondrial translation release factor in rescue; plus strand). Cytogenetic location: 12q24.31.
Variant type: single nucleotide variant.
Coding change: c.357C>T on transcript NM_152269.5 (MANE Select); coding-DNA position 357, C replaced by T.
Protein change: p.Phe119=; no amino-acid change (phenylalanine 119 retained).
Molecular consequence: synonymous variant.
Genome position (GRCh38, 1-based): chr12:123,256,887, C>T. VCF-style: chr12-123256887-C-T. GRCh37 (hg19) VCF-style: chr12-123741434-C-T.
Other names: c.357C>T, p.Phe119= (NM_001143905.2, NM_001194995.1); c.357C>T (NM_152269.4).
Identifiers: ClinVar variation 2070751 (VCV002070751.6), dbSNP rs144049612, ClinGen allele CA6856593.
Genomic context (GRCh38, chr12:123,256,887, plus strand): 5'-ATCAGTTGATCAGAACAGAAAGCTAGCTCGGAAAATCCTACAAGAGAAAGTAGATGTTTT[C>T]TACAATGGTGAAAACAGTCCTGTTCACAAAGAAAAACGAGAAGCGGCGAAGAAAAAACAA-3'
Protein context (NP_689482.1, residues 109-129): RKILQEKVDV[Phe119=]YNGENSPVHK

ClinVar aggregate classification (germline): Likely benign. Review status: criteria provided, single submitter (1 of 4 stars). 2 submissions from 2 submitters: Likely benign (1). 1 of the submissions does not count toward it. Last evaluated 2023-08-29.

Conditions:
Spastic paraplegia. Identifiers: MedGen C0037772, HP:0001258.
Combined oxidative phosphorylation defect type 7. Identifiers: Orphanet 254930, MedGen C3150801, MONDO:0013306, OMIM 613559.
MTRFR-related disorder. Also called: MTRFR-related condition.

Allele frequency attached by ClinVar (database versions not stated): gnomAD exomes 0.00001; gnomAD 0.00002; ExAC 0.00003; TOPMed 0.00003; ESP Exome Variant Server 0.00008.
gnomAD v4.1: 18 of 1,613,596 alleles (0.0011%); highest among the groups gnomAD compares: African/African-American, 0.016%; 1 homozygote.

Submissions (2):

Labcorp Genetics (formerly Invitae), Labcorp
Classification: Likely benign for Combined oxidative phosphorylation defect type 7; Spastic paraplegia. Last evaluated: 2023-08-29. Review status: criteria provided, single submitter. Criteria: Invitae Variant Classification Sherloc (09022015). Collection method: clinical testing. Allele origin: germline.

PreventionGenetics, part of Exact Sciences
Classification: Likely benign for MTRFR-related condition. Last evaluated: 2019-08-07. Review status: no assertion criteria provided. Collection method: clinical testing. Allele origin: germline. Not counted in ClinVar's aggregate classification.
Comment: This variant is classified as likely benign based on ACMG/AMP sequence variant interpretation guidelines (Richards et al. 2015 PMID: 25741868, with internal and published modifications).